The following is an entry in ClinVar:

NM_000051.4(ATM):c.6054_6055del (p.Tyr2019fs)

Genes: ATM (ATM serine/threonine kinase; plus strand), C11orf65 (chromosome 11 open reading frame 65; minus strand). Cytogenetic location: 11q22.3.
Variant type: Deletion.
Coding change: c.6054_6055del on transcript NM_000051.4 (MANE Select); coding-DNA positions 6054 to 6055, 2 bases deleted (GT; older notation c.6054_6055delGT).
Protein change: p.Tyr2019fs; shifts the reading frame from tyrosine 2019.
Molecular consequence: frameshift variant. On other transcripts: intron variant (2).
Genome position (GRCh38, 1-based): chr11:108,315,870-108,315,871, GT deleted; deleting any 2 consecutive bases within chr11:108,315,869-108,315,871 gives the same sequence; the c. name uses the placement nearest the transcript's 3' end. VCF-style (leftmost placement, unchanged base first): chr11-108315868-TTG-T. GRCh37 (hg19) VCF-style: chr11-108186595-TTG-T.
Other names: c.6054_6055del, p.Tyr2019fs (NM_001351834.2); c.641-6799_641-6798del (NM_001330368.2); c.*39-6799_*39-6798del (NM_001351110.2); short protein forms Y2019fs.
Identifiers: ClinVar variation 2033842 (VCV002033842.4), dbSNP rs2547089292, ClinGen allele CA2580083050.

ClinVar aggregate classification (germline): Pathogenic (1 of 4 stars; one submission).

Conditions:
Ataxia-telangiectasia syndrome (AT). Also called: Ataxia-telangiectasia, complementation group D; AT, COMPLEMENTATION GROUP C; ATAXIA-TELANGIECTASIA, COMPLEMENTATION GROUP A; ATAXIA-TELANGIECTASIA, FRESNO VARIANT; Ataxia-telangiectasia, complementation group E; LOUIS-BAR SYNDROME. Identifiers: Orphanet 100, MedGen C0004135, MONDO:0008840, OMIM 208900.

Submission:

Labcorp Genetics (formerly Invitae), Labcorp
Classification: Pathogenic for Ataxia-telangiectasia syndrome. Last evaluated: 2022-10-03. Review status: criteria provided, single submitter. Criteria: Invitae Variant Classification Sherloc (09022015). Collection method: clinical testing. Allele origin: germline.
Comment: This variant has not been reported in the literature in individuals affected with ATM-related conditions. For these reasons, this variant has been classified as Pathogenic. This variant is not present in population databases (gnomAD no frequency). This sequence change creates a premature translational stop signal (p.Tyr2019Trpfs*13) in the ATM gene. It is expected to result in an absent or disrupted protein product. Loss-of-function variants in ATM are known to be pathogenic (PMID: 23807571, 25614872).

Literature cited by the submitters: PubMed 23807571; PubMed 25614872.